The following is an entry in ClinVar:

NM_005068.3(SIM1):c.2286A>G (p.Ile762Met)

Gene: SIM1 (SIM bHLH transcription factor 1; minus strand). Cytogenetic location: 6q16.3.
Variant type: single nucleotide variant.
Coding change: c.2286A>G on transcript NM_005068.3 (MANE Select); coding-DNA position 2286, A replaced by G.
Protein change: p.Ile762Met; replaces isoleucine 762 with methionine.
Molecular consequence: missense variant.
Genome position (GRCh38, 1-based): chr6:100,390,376, T>C on the plus strand (A>G on the coding strand, the complement: SIM1 is on the minus strand). VCF-style: chr6-100390376-T-C. GRCh37 (hg19) VCF-style: chr6-100838252-T-C.
Other names: c.2286A>G, p.Ile762Met (NM_001374769.1); short protein forms I762M.
Identifiers: ClinVar variation 4055996 (VCV004055996.1).

ClinVar aggregate classification (germline): Uncertain significance (1 of 4 stars; one submission).

Submission:

GeneDx
Classification: Uncertain significance. Last evaluated: 2025-01-03. Review status: criteria provided, single submitter. Criteria: GeneDx Variant Classification Process June 2021. Collection method: clinical testing. Allele origin: germline. Affected: yes.
Comment: Not observed at significant frequency in large population cohorts (gnomAD); In silico analysis indicates that this missense variant does not alter protein structure/function; Has not been previously published as pathogenic or benign to our knowledge